The following is an entry in ClinVar:

ClinVar aggregate classification (germline): Conflicting classifications of pathogenicity. Review status: criteria provided, conflicting classifications (1 of 4 stars). 4 submissions from 4 submitters: Uncertain significance (1); Likely benign (3). Last evaluated 2026-05-13.

Conditions:
SACS-related disorder. Also called: SACS-related condition.
Spastic paraplegia. Identifiers: MedGen C0037772, HP:0001258.
Charlevoix-Saguenay spastic ataxia (SACS). Also called: SPASTIC ATAXIA 6, AUTOSOMAL RECESSIVE; AUTOSOMAL RECESSIVE SPASTIC ATAXIA OF CHARLEVOIX-SAGUENAY; Spastic ataxia of Charlevoix-Saguenay. Identifiers: Orphanet 98, MedGen C1849140, MONDO:0010041, OMIM 270550.

Allele frequency attached by ClinVar (database versions not stated): gnomAD 0.00002 and 0.00003; ExAC 0.00003; gnomAD exomes 0.00003 and 0.00004; TOPMed 0.00003.
gnomAD v4.1: 53 of 1,614,114 alleles (0.0033%); highest among the groups gnomAD compares: South Asian, 0.021%; no homozygotes.

Submissions (4):

PreventionGenetics, part of Exact Sciences
Classification: Likely benign for SACS-related condition. Last evaluated: 2026-05-13. Review status: criteria provided, single submitter. Criteria: ACMG Guidelines, 2015. Collection method: clinical testing. Allele origin: germline.
Comment: This variant is classified as likely benign based on ACMG/AMP sequence variant interpretation guidelines (Richards et al. 2015 PMID: 25741868, with internal and published modifications).

CeGaT Center for Human Genetics Tuebingen
Classification: Likely benign. Last evaluated: 2026-02-01. Review status: criteria provided, single submitter. Criteria: CeGaT Center For Human Genetics Tuebingen Variant Classification Criteria Version 2. Collection method: clinical testing. Allele origin: germline. Affected: yes. Observed: 1 variant allele.
Comment: SACS: BP4, BP7

Labcorp Genetics (formerly Invitae), Labcorp
Classification: Likely benign for Spastic paraplegia. Last evaluated: 2026-01-26. Review status: criteria provided, single submitter. Criteria: Invitae Variant Classification Sherloc (09022015). Collection method: clinical testing. Allele origin: germline.

Illumina Laboratory Services, Illumina
Classification: Uncertain significance for Charlevoix-Saguenay spastic ataxia. Last evaluated: 2018-01-12. Review status: criteria provided, single submitter. Criteria: ICSL Variant Classification Criteria 13 December 2019. Collection method: clinical testing. Allele origin: germline.

NM_014363.6(SACS):c.1608G>A (p.Pro536=)

Gene: SACS (sacsin molecular chaperone; minus strand). Cytogenetic location: 13q12.12.
Variant type: single nucleotide variant.
Coding change: c.1608G>A on transcript NM_014363.6 (MANE Select); coding-DNA position 1608, G replaced by A.
Protein change: p.Pro536=; no amino-acid change (proline 536 retained).
Molecular consequence: synonymous variant.
Genome position (GRCh38, 1-based): chr13:23,355,004, C>T on the plus strand (G>A on the coding strand, the complement: SACS is on the minus strand). VCF-style: chr13-23355004-C-T. GRCh37 (hg19) VCF-style: chr13-23929143-C-T.
Other names: c.1167G>A, p.Pro389= (NM_001278055.2).
Identifiers: ClinVar variation 311561 (VCV000311561.20), dbSNP rs745730439, ClinGen allele CA6911885.
Genomic context (GRCh38, chr13:23,355,004, plus strand): 5'-CAGCTCGCTGAATAGAGGCTCTAACACCGGTTGCCAGTGCACCTTGACTTTGCTCGCCTC[C>T]GGCCAAAGCTTATAGATAACATCAACTGACAAGGGGAAATCAGAGCTCTTTTCCATCTCC-3'
Protein context (NP_055178.3, residues 526-546): LSVDVIYKLW[Pro536=]EASKVKVHWQ